The following is an entry in ClinVar:

ClinVar aggregate classification (germline): Pathogenic/Likely pathogenic. Review status: criteria provided, multiple submitters, no conflicts (2 of 4 stars). 5 submissions from 5 submitters: Pathogenic (2); Likely pathogenic (3). Last evaluated 2025-08-13.

Conditions:
Familial hemophagocytic lymphohistiocytosis (FHL). Also called: Familial erythrophagocytic lymphohistiocytosis; Familial histiocytic reticulosis; Hereditary hemophagocytic lymphohistiocytosis. Identifiers: Orphanet 158038, Orphanet 540, MedGen C0272199, MONDO:0015541.
Familial hemophagocytic lymphohistiocytosis 2 (FHL2). Also called: PRF1-Related Familial Hemophagocytic Lymphohistiocytosis (PRF1-fHLH). Identifiers: Orphanet 540, MedGen C1863727, MONDO:0011337, OMIM 603553.
Aplastic anemia. Identifiers: Orphanet 182040, Orphanet 88, MedGen C0002874, MONDO:0015909, OMIM 609135, HP:0001915.
Lymphoma, non-Hodgkin, familial. Identifiers: MedGen C4721532, MONDO:0011508, OMIM 605027.

Allele frequency attached by ClinVar (database versions not stated): gnomAD exomes below 0.00001 and 0.00001; TOPMed 0.00001.
gnomAD v4.1: 6 of 1,614,238 alleles (0.00037%); highest among the groups gnomAD compares: African/African-American, 0.0027%; no homozygotes.

Submissions (5):

Myriad Genetics, Inc.
Classification: Likely pathogenic for Familial hemophagocytic lymphohistiocytosis 2. Last evaluated: 2025-08-13. Review status: criteria provided, single submitter. Criteria: Myriad Autosomal Dominant, Autosomal Recessive and X-Linked Classification Criteria (2023). Collection method: clinical testing. Allele origin: unknown.
Comment: NM_001083116.1(PRF1):c.895C>T(R299C) is a missense variant classified as likely pathogenic in the context of familial hemophagocytic lymphohistiocytosis, PRF1-related. R299C has been observed in cases with relevant disease (PMID: 14757862, 32542393, 31130284, 38978926). Relevant functional assessments of this variant are available in the literature (PMID: 15755897, 16374518). R299C has been observed in referenced population frequency databases. In summary, NM_001083116.1(PRF1):c.895C>T(R299C) is a missense variant that has functional support for pathogenicity and has been observed more frequently in cases with the relevant disease than in healthy populations. Please note: this variant was assessed in the context of healthy population screening.

Labcorp Genetics (formerly Invitae), Labcorp
Classification: Likely pathogenic for Familial hemophagocytic lymphohistiocytosis 2. Last evaluated: 2024-07-22. Review status: criteria provided, single submitter. Criteria: Invitae Variant Classification Sherloc (09022015). Collection method: clinical testing. Allele origin: germline.
Comment: This sequence change replaces arginine, which is basic and polar, with cysteine, which is neutral and slightly polar, at codon 299 of the PRF1 protein (p.Arg299Cys). This variant is present in population databases (no rsID available, gnomAD 0.007%). This missense change has been observed in individuals with hemophagocytic lymphohistiocytosis (PMID: 14757862, 32542393; Invitae). ClinVar contains an entry for this variant (Variation ID: 1022083). Advanced modeling of protein sequence and biophysical properties (such as structural, functional, and spatial information, amino acid conservation, physicochemical variation, residue mobility, and thermodynamic stability) has been performed at Invitae for this missense variant, however the output from this modeling did not meet the statistical confidence thresholds required to predict the impact of this variant on PRF1 protein function. Experimental studies have shown that this missense change affects PRF1 function (PMID: 15755897, 16374518). This variant disrupts the p.Arg299 amino acid residue in PRF1. Other variant(s) that disrupt this residue have been observed in individuals with PRF1-related conditions (PMID: 26450956), which suggests that this may be a clinically significant amino acid residue. In summary, the currently available evidence indicates that the variant is pathogenic, but additional data are needed to prove that conclusively. Therefore, this variant has been classified as Likely Pathogenic.

Women's Health and Genetics/Laboratory Corporation of America, LabCorp
Classification: Pathogenic for Familial hemophagocytic lymphohistiocytosis. Last evaluated: 2024-07-18. Review status: criteria provided, single submitter. Criteria: LabCorp Variant Classification Summary - May 2015. Collection method: clinical testing. Allele origin: germline.
Comment: Variant summary: PRF1 c.895C>T (p.Arg299Cys) results in a non-conservative amino acid change located in the Membrane attack complex component/perforin (MACPF) domain (IPR020864) of the encoded protein sequence. Five of five in-silico tools predict a damaging effect of the variant on protein function. The variant allele was found at a frequency of 1.2e-05 in 251454 control chromosomes. c.895C>T has been reported in the literature in individuals affected with Familial Hemophagocytic Lymphohistiocytosis (examples:Gadoury-Levesque_2020,Voskoboinik_2005). These data indicate that the variant is likely to be associated with disease. At least one publication reports experimental evidence evaluating an impact on protein function. The most pronounced variant effect results in <10% of normal activity (Voskoboinik_2005). The following publications have been ascertained in the context of this evaluation (PMID: 32542393, 15755897). ClinVar contains an entry for this variant (Variation ID: 1022083). Based on the evidence outlined above, the variant was classified as pathogenic.

Fulgent Genetics
Classification: Likely pathogenic for Familial hemophagocytic lymphohistiocytosis 2; Lymphoma, non-Hodgkin, familial; Aplastic anemia. Last evaluated: 2024-05-13. Review status: criteria provided, single submitter. Criteria: ACMG Guidelines, 2015. Collection method: clinical testing. Allele origin: germline.

Baylor Genetics
Classification: Pathogenic for Aplastic anemia. Last evaluated: 2023-03-21. Review status: criteria provided, single submitter. Criteria: ACMG Guidelines, 2015. Collection method: clinical testing. Allele origin: unknown.

Literature cited by the submitters: PubMed 14757862 (cited by Myriad Genetics, Inc. and Labcorp Genetics (formerly Invitae), Labcorp); PubMed 15755897 (cited by 3 submitters); PubMed 16374518 (cited by Myriad Genetics, Inc. and Labcorp Genetics (formerly Invitae), Labcorp); PubMed 31130284 (cited by Myriad Genetics, Inc.); PubMed 32542393 (cited by 3 submitters); PubMed 38978926 (cited by Myriad Genetics, Inc.); PubMed 26450956 (cited by Labcorp Genetics (formerly Invitae), Labcorp).

NM_001083116.3(PRF1):c.895C>T (p.Arg299Cys)

Gene: PRF1 (perforin 1; minus strand). Cytogenetic location: 10q22.1.
Variant type: single nucleotide variant.
Coding change: c.895C>T on transcript NM_001083116.3 (MANE Select); coding-DNA position 895, C replaced by T.
Protein change: p.Arg299Cys; replaces arginine 299 with cysteine.
Molecular consequence: missense variant.
Genome position (GRCh38, 1-based): chr10:70,598,826, G>A on the plus strand (C>T on the coding strand, the complement: PRF1 is on the minus strand). VCF-style: chr10-70598826-G-A. GRCh37 (hg19) VCF-style: chr10-72358582-G-A.
Other names: c.895C>T, p.Arg299Cys (NM_005041.6); short protein forms R299C.
Identifiers: ClinVar variation 1022083 (VCV001022083.12), dbSNP rs902124045, ClinGen allele CA209367746.